The following is an entry in ClinVar:

NM_198253.3(TERT):c.2044G>C (p.Gly682Arg)

Gene: TERT (telomerase reverse transcriptase; minus strand). Cytogenetic location: 5p15.33.
Variant type: single nucleotide variant.
Coding change: c.2044G>C on transcript NM_198253.3 (MANE Select); coding-DNA position 2044, G replaced by C.
Protein change: p.Gly682Arg; replaces glycine 682 with arginine.
Molecular consequence: missense variant. On other transcripts: non-coding transcript variant (2).
Genome position (GRCh38, 1-based): chr5:1,279,377, C>G on the plus strand (G>C on the coding strand, the complement: TERT is on the minus strand). VCF-style: chr5-1279377-C-G. GRCh37 (hg19) VCF-style: chr5-1279492-C-G.
Other names: c.2044G>C, p.Gly682Arg (NM_001193376.3, NM_003219.1); short protein forms G682R.
Identifiers: ClinVar variation 2946549 (VCV002946549.3), dbSNP rs2478275784, ClinGen allele CA359080327.
Genomic context (GRCh38, chr5:1,279,377, plus strand): 5'-GGTCCTGGGCCCGCACACGCAGCACGAAGGTGCGCCAGGCCCTGTGGATATCGTCCAGGC[C>G]CAGCACAGAGGCGCCCAGGAGGCCGGGGCGCCGCGCCCGCTCGTAGTTGAGCACGCTGAA-3'
Protein context (NP_937983.2, residues 672-692): RPGLLGASVL[Gly682Arg]LDDIHRAWRT

ClinVar aggregate classification (germline): Uncertain significance (1 of 4 stars; one submission).

Conditions:
Idiopathic Pulmonary Fibrosis. Also called: Idiopathic fibrosing alveolitis, chronic form; idiopathic fibrosing alveolitis. Identifiers: Orphanet 2032, MedGen C1800706, MeSH D054990, MONDO:0800504.
Dyskeratosis congenita, autosomal dominant 2. Identifiers: MedGen C3151443, MONDO:0013521, OMIM 613989.

Submission:

Labcorp Genetics (formerly Invitae), Labcorp
Classification: Uncertain significance for Dyskeratosis congenita, autosomal dominant 2; Idiopathic Pulmonary Fibrosis. Last evaluated: 2023-04-11. Review status: criteria provided, single submitter. Criteria: Invitae Variant Classification Sherloc (09022015). Collection method: clinical testing. Allele origin: germline.
Comment: This sequence change replaces glycine, which is neutral and non-polar, with arginine, which is basic and polar, at codon 682 of the TERT protein (p.Gly682Arg). This variant is not present in population databases (gnomAD no frequency). This variant has not been reported in the literature in individuals affected with TERT-related conditions. Advanced modeling of protein sequence and biophysical properties (such as structural, functional, and spatial information, amino acid conservation, physicochemical variation, residue mobility, and thermodynamic stability) performed at Invitae indicates that this missense variant is expected to disrupt TERT protein function. In summary, the available evidence is currently insufficient to determine the role of this variant in disease. Therefore, it has been classified as a Variant of Uncertain Significance.